The following is an entry in ClinVar:

NM_170784.3(MKKS):c.1225_1226del (p.Gly409fs)

Gene: MKKS (MKKS centrosomal shuttling protein; minus strand). Cytogenetic location: 20p12.2.
Variant type: Deletion.
Coding change: c.1225_1226del on transcript NM_170784.3 (MANE Select); coding-DNA positions 1225 to 1226, 2 bases deleted (GG; older notation c.1225_1226delGG).
Protein change: p.Gly409fs; shifts the reading frame from glycine 409.
Molecular consequence: frameshift variant. On other transcripts: non-coding transcript variant (1).
Genome position (GRCh38, 1-based): chr20:10,407,662-10,407,663, CC deleted on the plus strand (GG on the coding strand, the reverse complement: MKKS is on the minus strand); deleting any 2 consecutive bases within chr20:10,407,662-10,407,664 gives the same sequence; the c. name uses the placement nearest the transcript's 3' end. VCF-style (leftmost placement, unchanged base first): chr20-10407661-TCC-T. GRCh37 (hg19) VCF-style: chr20-10388309-TCC-T.
Other names: c.1225_1226del, p.Gly409fs (NM_018848.3); c.1225_1226delGG (NM_018848.3); short protein forms G409fs.
Identifiers: ClinVar variation 5310 (VCV000005310.6), dbSNP rs1421664374, ClinGen allele CA634447343.

ClinVar aggregate classification (germline): Pathogenic/Likely pathogenic. Review status: criteria provided, multiple submitters, no conflicts (2 of 4 stars). 4 submissions from 4 submitters: Pathogenic (2); Likely pathogenic (1). 1 of the submissions does not count toward it. Last evaluated 2025-02-07.

Conditions:
MKKS-related disorder. Also called: MKKS-related condition; MKKS-related disorders.
McKusick-Kaufman syndrome (MKKS). Also called: HYDROMETROCOLPOS SYNDROME; HYDROMETROCOLPOS, POSTAXIAL POLYDACTYLY, AND CONGENITAL HEART MALFORMATION. Identifiers: Orphanet 2473, MedGen C0948368, MONDO:0009367, OMIM 236700.
Bardet-Biedl syndrome (BBS). Identifiers: Orphanet 110, MedGen C0752166, MONDO:0015229.

Submissions (4):

PreventionGenetics, part of Exact Sciences
Classification: Pathogenic for MKKS-related condition. Last evaluated: 2025-02-07. Review status: criteria provided, single submitter. Criteria: ACMG Guidelines, 2015. Collection method: clinical testing. Allele origin: germline.
Comment: The MKKS c.1225_1226delGG variant is predicted to result in a frameshift and premature protein termination (p.Gly409Argfs*5). This variant was reported in the compound heterozygous state along with a second pathogenic variant in an individual with McKusick-Kaufman syndrome (described as c.2111–2112delGG, Stone et al. 2000. PubMed ID: 10802661). This variant is reported in 0.011% of alleles in individuals of African descent in gnomAD. Frameshift variants in MKKS are expected to be pathogenic. This variant is interpreted as pathogenic.

Labcorp Genetics (formerly Invitae), Labcorp
Classification: Pathogenic for McKusick-Kaufman syndrome; Bardet-Biedl syndrome. Last evaluated: 2023-05-22. Review status: criteria provided, single submitter. Criteria: Invitae Variant Classification Sherloc (09022015). Collection method: clinical testing. Allele origin: germline.
Comment: This variant is present in population databases (no rsID available, gnomAD 0.01%). For these reasons, this variant has been classified as Pathogenic. This variant disrupts a region of the MKKS protein in which other variant(s) (p.Ser479*) have been determined to be pathogenic (PMID: 15770229, 33138063). This suggests that this is a clinically significant region of the protein, and that variants that disrupt it are likely to be disease-causing. ClinVar contains an entry for this variant (Variation ID: 5310). This premature translational stop signal has been observed in individual(s) with McKusick-Kaufman syndrome (PMID: 10802661). In at least one individual the data is consistent with being in trans (on the opposite chromosome) from a pathogenic variant. This sequence change creates a premature translational stop signal (p.Gly409Argfs*5) in the MKKS gene. While this is not anticipated to result in nonsense mediated decay, it is expected to disrupt the last 162 amino acid(s) of the MKKS protein.

Blueprint Genetics
Classification: Likely pathogenic for MKKS-related disorders. Last evaluated: 2018-07-31. Review status: criteria provided, single submitter. Criteria: ACMG Guidelines, 2015. Collection method: clinical testing. Allele origin: germline. Affected: yes. Observed: 1 variant allele.

OMIM
Classification: Pathogenic for MCKUSICK-KAUFMAN SYNDROME. Last evaluated: 2000-05-01. Review status: no assertion criteria provided. Collection method: literature only. Allele origin: germline. Not counted in ClinVar's aggregate classification.

Literature cited by the submitters: PubMed 15770229 (cited by Labcorp Genetics (formerly Invitae), Labcorp); PubMed 33138063 (cited by Labcorp Genetics (formerly Invitae), Labcorp); PubMed 10802661 (cited by Labcorp Genetics (formerly Invitae), Labcorp and OMIM).